The following is an entry in ClinVar:

ClinVar aggregate classification (germline): Uncertain significance (1 of 4 stars; one submission).

Conditions:
Autosomal recessive limb-girdle muscular dystrophy type 2P. Also called: MUSCULAR DYSTROPHY-DYSTROGLYCANOPATHY, LIMB-GIRDLE, DAG1-RELATED; Limb-Girdle Muscular Dystrophy Type 9C; MUSCULAR DYSTROPHY, LIMB-GIRDLE, TYPE 2P. Identifiers: Orphanet 280333, MedGen C4511963, MONDO:0013440, OMIM 613818.
Muscular dystrophy-dystroglycanopathy (congenital with brain and eye anomalies), type A9. Also called: WALKER-WARBURG SYNDROME OR MUSCLE-EYE BRAIN DISEASE, DAG1-RELATED; Muscular dystrophy-dystroglycanopathy (congenital with brain and eye anomalies), type a, 9. Identifiers: Orphanet 370997, Orphanet 899, MedGen C4225291, MONDO:0014683, OMIM 616538.

Allele frequency attached by ClinVar (database versions not stated): TOPMed below 0.00001.

Submission:

Labcorp Genetics (formerly Invitae), Labcorp
Classification: Uncertain significance for Limb-girdle muscular dystrophy-dystroglycanopathy, type C9; Muscular dystrophy-dystroglycanopathy (congenital with brain and eye anomalies), type a, 9. Last evaluated: 2019-08-26. Review status: criteria provided, single submitter. Criteria: Invitae Variant Classification Sherloc (09022015). Collection method: clinical testing. Allele origin: germline.
Comment: This sequence change replaces alanine with valine at codon 184 of the DAG1 protein (p.Ala184Val). The alanine residue is moderately conserved and there is a small physicochemical difference between alanine and valine. This variant is not present in population databases (ExAC no frequency). This variant has not been reported in the literature in individuals with DAG1-related conditions. Algorithms developed to predict the effect of missense changes on protein structure and function output the following: SIFT: "Tolerated"; PolyPhen-2: "Benign"; Align-GVGD: "Class C0". The valine amino acid residue is found in multiple mammalian species, suggesting that this missense change does not adversely affect protein function. These predictions have not been confirmed by published functional studies and their clinical significance is uncertain. In summary, the available evidence is currently insufficient to determine the role of this variant in disease. Therefore, it has been classified as a Variant of Uncertain Significance.

NM_004393.6(DAG1):c.551C>T (p.Ala184Val)

Gene: DAG1 (dystroglycan 1; plus strand). Cytogenetic location: 3p21.31.
Variant type: single nucleotide variant.
Coding change: c.551C>T on transcript NM_004393.6 (MANE Select); coding-DNA position 551, C replaced by T.
Protein change: p.Ala184Val; replaces alanine 184 with valine.
Molecular consequence: missense variant.
Genome position (GRCh38, 1-based): chr3:49,531,062, C>T. VCF-style: chr3-49531062-C-T. GRCh37 (hg19) VCF-style: chr3-49568495-C-T.
Other names: c.551C>T, p.Ala184Val (NM_001165928.4, NM_001177634.3, NM_001177635.3 and 9 more transcripts); short protein forms A184V.
Identifiers: ClinVar variation 935434 (VCV000935434.2), dbSNP rs1431924829, ClinGen allele CA352793558.